The following is an entry in ClinVar:

ClinVar aggregate classification (germline): Uncertain significance. Review status: criteria provided, multiple submitters, no conflicts (2 of 4 stars). 2 submissions from 2 submitters: Uncertain significance (2). Last evaluated 2025-11-06.

Allele frequency attached by ClinVar (database versions not stated): ESP Exome Variant Server 0.00008; gnomAD exomes 0.00013; ExAC 0.00018; TOPMed 0.00045; 1000 Genomes Project 30x 0.00047; 1000 Genomes Project 0.00060.
gnomAD v4.1: 240 of 1,614,102 alleles (0.015%); highest among the groups gnomAD compares: Admixed American, 0.053%; no homozygotes.

Submissions (2):

Labcorp Genetics (formerly Invitae), Labcorp
Classification: Uncertain significance. Last evaluated: 2025-11-06. Review status: criteria provided, single submitter. Criteria: Invitae Variant Classification Sherloc (09022015). Collection method: clinical testing. Allele origin: germline.
Comment: This sequence change replaces proline, which is neutral and non-polar, with leucine, which is neutral and non-polar, at codon 1669 of the ANK3 protein (p.Pro1669Leu). This variant is present in population databases (rs145794254, gnomAD 0.06%). This variant has not been reported in the literature in individuals affected with ANK3-related conditions. ClinVar contains an entry for this variant (Variation ID: 2146525). Invitae Evidence Modeling of protein sequence and biophysical properties (such as structural, functional, and spatial information, amino acid conservation, physicochemical variation, residue mobility, and thermodynamic stability) has been performed for this missense variant. However, the output from this modeling did not meet the statistical confidence thresholds required to predict the impact of this variant on ANK3 protein function. In summary, the available evidence is currently insufficient to determine the role of this variant in disease. Therefore, it has been classified as a Variant of Uncertain Significance.

GeneDx
Classification: Uncertain significance. Last evaluated: 2025-06-06. Review status: criteria provided, single submitter. Criteria: GeneDx Variant Classification Process June 2021. Collection method: clinical testing. Allele origin: germline. Affected: yes.
Comment: Reported as a de novo heterozygous variant in an individual with a developmental disorder in the published literature; however, additional clinical information was not included (PMID: 33057194); In silico analysis suggests that this missense variant does not alter protein structure/function; This variant is associated with the following publications: (PMID: 33057194, 35982159)

NM_020987.5(ANK3):c.5006C>T (p.Pro1669Leu)

Gene: ANK3 (ankyrin 3; minus strand). Cytogenetic location: 10q21.2.
Variant type: single nucleotide variant.
Coding change: c.5006C>T on transcript NM_020987.5 (MANE Select); coding-DNA position 5006, C replaced by T.
Protein change: p.Pro1669Leu; replaces proline 1669 with leucine.
Molecular consequence: missense variant. On other transcripts: intron variant (4).
Genome position (GRCh38, 1-based): chr10:60,075,875, G>A on the plus strand (C>T on the coding strand, the complement: ANK3 is on the minus strand). VCF-style: chr10-60075875-G-A. GRCh37 (hg19) VCF-style: chr10-61835633-G-A.
Other names: c.4387+4662C>T (NM_001204403.2); c.4408+4662C>T (NM_001204404.2); c.4405+4662C>T (NM_001320874.2); c.1807+4662C>T (NM_001149.4); c.5006C>T (NM_020987.3); short protein forms P1669L.
Identifiers: ClinVar variation 2146525 (VCV002146525.5), dbSNP rs145794254, ClinGen allele CA5512072.